The following is an entry in ClinVar:

ClinVar aggregate classification (germline): Likely benign. Review status: criteria provided, single submitter (1 of 4 stars). 2 submissions from 2 submitters: Likely benign (1). 1 of the submissions does not count toward it. Last evaluated 2023-04-07.

Conditions:
Bardet-Biedl syndrome (BBS). Identifiers: Orphanet 110, MedGen C0752166, MONDO:0015229.
TRIM32-related disorder. Also called: TRIM32-related condition.

Submissions (2):

Labcorp Genetics (formerly Invitae), Labcorp
Classification: Likely benign for Bardet-Biedl syndrome. Last evaluated: 2023-04-07. Review status: criteria provided, single submitter. Criteria: Invitae Variant Classification Sherloc (09022015). Collection method: clinical testing. Allele origin: germline.

PreventionGenetics, part of Exact Sciences
Classification: Likely benign for TRIM32-related condition. Last evaluated: 2022-10-18. Review status: no assertion criteria provided. Collection method: clinical testing. Allele origin: germline. Not counted in ClinVar's aggregate classification.
Comment: This variant is classified as likely benign based on ACMG/AMP sequence variant interpretation guidelines (Richards et al. 2015 PMID: 25741868, with internal and published modifications).

NM_012210.4(TRIM32):c.1263C>T (p.Phe421=)

Genes: ASTN2 (astrotactin 2; minus strand), TRIM32 (tripartite motif containing 32; plus strand). Cytogenetic location: 9q33.1.
Variant type: single nucleotide variant.
Coding change: c.1263C>T on transcript NM_012210.4 (MANE Select); coding-DNA position 1263, C replaced by T.
Protein change: p.Phe421=; no amino-acid change (phenylalanine 421 retained).
Molecular consequence: synonymous variant. On other transcripts: intron variant (3).
Genome position (GRCh38, 1-based): chr9:116,699,005, C>T. VCF-style: chr9-116699005-C-T. GRCh37 (hg19) VCF-style: chr9-119461284-C-T.
Other names: c.2653+26766G>A (NM_014010.5); c.2794+26766G>A (NM_001365069.1); c.2806+26766G>A (NM_001365068.1); c.1263C>T, p.Phe421= (NM_001099679.2, NM_001379048.1, NM_001379049.1 and 1 more transcripts).
Identifiers: ClinVar variation 2999629 (VCV002999629.4), dbSNP rs2491065979, ClinGen allele CA466916825.